The following is an entry in ClinVar:

ClinVar aggregate classification (germline): Conflicting classifications of pathogenicity. Review status: criteria provided, conflicting classifications (1 of 4 stars). 5 submissions from 5 submitters: Pathogenic (2); Likely pathogenic (2); Uncertain significance (1). Last evaluated 2026-05-01.

Conditions:
LAMA2-related muscular dystrophy (LAMA2-RD). Also called: Laminin alpha 2-related dystrophy. Identifiers: MedGen C5679788, MONDO:0100228.
Merosin deficient congenital muscular dystrophy (MDC1A). Also called: Congenital Muscular Dystrophy Type 1A (MDC1A); Congenital merosin-deficient muscular dystrophy 1A. Identifiers: Orphanet 258, MedGen C1263858, MONDO:0011925, OMIM 607855.

Allele frequency attached by ClinVar (database versions not stated): TOPMed below 0.00001.
gnomAD v4.1: 6 of 1,612,128 alleles (0.00037%); highest among the groups gnomAD compares: Non-Finnish European, 0.00042%; no homozygotes.

Submissions (5):

CeGaT Center for Human Genetics Tuebingen
Classification: Pathogenic. Last evaluated: 2026-05-01. Review status: criteria provided, single submitter. Criteria: CeGaT Center For Human Genetics Tuebingen Variant Classification Criteria Version 2. Collection method: clinical testing. Allele origin: germline. Affected: yes. Observed: 2 variant alleles.
Comment: LAMA2: PVS1, PM2, PM3

Labcorp Genetics (formerly Invitae), Labcorp
Classification: Pathogenic for LAMA2-related muscular dystrophy. Last evaluated: 2025-12-21. Review status: criteria provided, single submitter. Criteria: Invitae Variant Classification Sherloc (09022015). Collection method: clinical testing. Allele origin: germline.
Comment: This sequence change creates a premature translational stop signal (p.Cys411*) in the LAMA2 gene. It is expected to result in an absent or disrupted protein product. Loss-of-function variants in LAMA2 are known to be pathogenic (PMID: 18700894, 32904964). This variant is not present in population databases (gnomAD no frequency). This variant has not been reported in the literature in individuals affected with LAMA2-related conditions. ClinVar contains an entry for this variant (Variation ID: 1725656). For these reasons, this variant has been classified as Pathogenic.

Baylor Genetics
Classification: Likely pathogenic for Merosin deficient congenital muscular dystrophy. Last evaluated: 2023-03-15. Review status: criteria provided, single submitter. Criteria: ACMG Guidelines, 2015. Collection method: clinical testing. Allele origin: unknown.

Myriad Genetics, Inc.
Classification: Likely pathogenic for LAMA2-related muscular dystrophy. Last evaluated: 2021-12-05. Review status: criteria provided, single submitter. Criteria: Myriad Autosomal Dominant, Autosomal Recessive and X-Linked Classification Criteria (2023). Collection method: clinical testing. Allele origin: unknown.
Comment: NM_000426.3(LAMA2):c.1233C>A(C411*) is expected to be pathogenic in the context of muscular dystrophy, LAMA2-related. This variant is predicted to lead to an abnormal or absent protein product due to the creation of a premature termination codon in LAMA2, a gene where loss-of-function variants are known to be pathogenic. Please note: this variant was assessed in the context of healthy population screening.

Blueprint Genetics
Classification: Uncertain significance. Last evaluated: 2021-06-03. Review status: criteria provided, single submitter. Criteria: ACMG Guidelines, 2015. Collection method: clinical testing. Allele origin: germline.

Literature cited by the submitters: PubMed 18700894 (cited by Labcorp Genetics (formerly Invitae), Labcorp); PubMed 32904964 (cited by Labcorp Genetics (formerly Invitae), Labcorp).

NM_000426.4(LAMA2):c.1233C>A (p.Cys411Ter)

Gene: LAMA2 (laminin subunit alpha 2; plus strand). Cytogenetic location: 6q22.33.
Variant type: single nucleotide variant.
Coding change: c.1233C>A on transcript NM_000426.4 (MANE Select); coding-DNA position 1233, C replaced by A.
Protein change: p.Cys411Ter; replaces cysteine 411 with a stop codon.
Molecular consequence: nonsense.
Genome position (GRCh38, 1-based): chr6:129,165,602, C>A. VCF-style: chr6-129165602-C-A. GRCh37 (hg19) VCF-style: chr6-129486747-C-A.
Other names: c.1233C>A, p.Cys411Ter (NM_001079823.2); short protein forms C411*.
Identifiers: ClinVar variation 1725656 (VCV001725656.10), dbSNP rs1583169005, ClinGen allele CA365607219.